The following is an entry in ClinVar:

ClinVar aggregate classification (germline): Benign. Review status: criteria provided, multiple submitters, no conflicts (2 of 4 stars). 3 submissions from 3 submitters: Benign (2). 1 of the submissions does not count toward it. Last evaluated 2016-07-28.

Conditions:
KIF5C-related disorder. Also called: KIF5C-related condition.

Allele frequency attached by ClinVar (database versions not stated): ESP Exome Variant Server 0.01781; gnomAD 0.01824 and 0.01962; 1000 Genomes Project 0.01937; gnomAD exomes 0.00194 and 0.00414; ExAC 0.00909; TOPMed 0.02126; 1000 Genomes Project 30x 0.02202.
gnomAD v4.1: 5,667 of 1,563,740 alleles (0.36%); highest among the groups gnomAD compares: African/African-American, 6.4%; 153 homozygotes.

Submissions (3):

GeneDx
Classification: Benign. Last evaluated: 2016-07-28. Review status: criteria provided, single submitter. Criteria: GeneDx Variant Classification (06012015). Collection method: clinical testing. Allele origin: germline. Affected: yes.
Comment: This variant is considered likely benign or benign based on one or more of the following criteria: it is a conservative change, it occurs at a poorly conserved position in the protein, it is predicted to be benign by multiple in silico algorithms, and/or has population frequency not consistent with disease.

Breakthrough Genomics
Classification: Benign. Review status: criteria provided, single submitter. Criteria: ACMG Guidelines, 2015. Collection method: not provided. Allele origin: germline. Inheritance: Autosomal dominant inheritance. Affected: yes.

PreventionGenetics, part of Exact Sciences
Classification: Benign for KIF5C-related condition. Last evaluated: 2020-01-02. Review status: no assertion criteria provided. Collection method: clinical testing. Allele origin: germline. Not counted in ClinVar's aggregate classification.
Comment: This variant is classified as benign based on ACMG/AMP sequence variant interpretation guidelines (Richards et al. 2015 PMID: 25741868, with internal and published modifications).

NM_004522.3(KIF5C):c.2169C>T (p.Asp723=)

Gene: KIF5C (kinesin family member 5C; plus strand). Cytogenetic location: 2q23.1.
Variant type: single nucleotide variant.
Coding change: c.2169C>T on transcript NM_004522.3 (MANE Select); coding-DNA position 2169, C replaced by T.
Protein change: p.Asp723=; no amino-acid change (aspartic acid 723 retained).
Molecular consequence: synonymous variant. On other transcripts: non-coding transcript variant (1).
Genome position (GRCh38, 1-based): chr2:148,998,468, C>T. VCF-style: chr2-148998468-C-T. GRCh37 (hg19) VCF-style: chr2-149854982-C-T.
Identifiers: ClinVar variation 382903 (VCV000382903.4), dbSNP rs6726682, ClinGen allele CA1901629.
Genomic context (GRCh38, chr2:148,998,468, plus strand): 5'-GGAGCAGCAGATGGAGAGCCACCGGGAAGCTCACCAGAAGCAGCTGTCCAGACTCCGAGA[C>T]GAAATTGAGGAGAAGCAGAAAATCATTGATGAGATTCGGGAGTGAGTCGGCCCAGGGCAC-3'
Protein context (NP_004513.1, residues 713-733): AHQKQLSRLR[Asp723=]EIEEKQKIID